The following is an entry in ClinVar:

ClinVar aggregate classification (germline): Pathogenic (1 of 4 stars; one submission).

Conditions:
Lipodystrophy - childhood onset.

gnomAD v4.1: 1 of 1,614,038 alleles (0.000062%); highest among the groups gnomAD compares: Non-Finnish European, 0.000085%; no homozygotes.

Submission:

Cambridge Genomics Laboratory, East Genomic Laboratory Hub, NHS Genomic Medicine Service
Classification: Pathogenic for Lipodystrophy - childhood onset. Last evaluated: 2026-06-29. Review status: criteria provided, single submitter. Criteria: ACGS Best Practice Guidelines for Variant Classification in Rare Disease 2020. Collection method: clinical testing. Allele origin: germline. Affected: yes.
Comment: PVS1,PM2,PP4

NM_000208.4(INSR):c.1976G>A (p.Trp659Ter)

Gene: INSR (insulin receptor; minus strand). Cytogenetic location: 19p13.2.
Variant type: single nucleotide variant.
Coding change: c.1976G>A on transcript NM_000208.4 (MANE Select); coding-DNA position 1976, G replaced by A.
Protein change: p.Trp659Ter; replaces tryptophan 659 with a stop codon.
Molecular consequence: nonsense.
Genome position (GRCh38, 1-based): chr19:7,163,085, C>T on the plus strand (G>A on the coding strand, the complement: INSR is on the minus strand). VCF-style: chr19-7163085-C-T. GRCh37 (hg19) VCF-style: chr19-7163096-C-T.
Other names: c.1976G>A, p.Trp659Ter (NM_001079817.3); short protein forms W659*.
Identifiers: ClinVar variation 4876242 (VCV004876242.1).
Genomic context (GRCh38, chr19:7,163,085, plus strand): 5'-CACTCACCTTTGAGGCAATAATCCAGCTCGAACAGCTCACTGTCTTCCGCCTGCCTCTCC[C>T]AGAAAACCAGGTAGTGGGTGATGTTGCCATTGGGGTCGGAGGGTGGTTTCCACTTCAGAA-3'